The following is an entry in ClinVar:

NM_053025.4(MYLK):c.1579G>A (p.Glu527Lys)

Gene: MYLK (myosin light chain kinase; minus strand). Cytogenetic location: 3q21.1.
Variant type: single nucleotide variant.
Coding change: c.1579G>A on transcript NM_053025.4 (MANE Select); coding-DNA position 1579, G replaced by A.
Protein change: p.Glu527Lys; replaces glutamic acid 527 with lysine.
Molecular consequence: missense variant.
Genome position (GRCh38, 1-based): chr3:123,726,016, C>T on the plus strand (G>A on the coding strand, the complement: MYLK is on the minus strand). VCF-style: chr3-123726016-C-T. GRCh37 (hg19) VCF-style: chr3-123444863-C-T.
Other names: c.1051G>A, p.Glu351Lys (NM_001321309.2); c.1372G>A, p.Glu458Lys (NM_053026.4, NM_053028.4); c.1579G>A, p.Glu527Lys (NM_053027.4); short protein forms E351K, E458K, E527K.
Identifiers: ClinVar variation 2872011 (VCV002872011.3), dbSNP rs2474489230, ClinGen allele CA354235714.

ClinVar aggregate classification (germline): Uncertain significance (1 of 4 stars; one submission).

Conditions:
Aortic aneurysm, familial thoracic 7 (AAT7). Also called: AORTIC DISSECTION, FAMILIAL, WITH OR WITHOUT AORTIC ANEURYSM. Identifiers: MedGen C3151077, MONDO:0013418, OMIM 613780.

Submission:

Labcorp Genetics (formerly Invitae), Labcorp
Classification: Uncertain significance for Aortic aneurysm, familial thoracic 7. Last evaluated: 2023-01-26. Review status: criteria provided, single submitter. Criteria: Invitae Variant Classification Sherloc (09022015). Collection method: clinical testing. Allele origin: germline.
Comment: In summary, the available evidence is currently insufficient to determine the role of this variant in disease. Therefore, it has been classified as a Variant of Uncertain Significance. Advanced modeling of protein sequence and biophysical properties (such as structural, functional, and spatial information, amino acid conservation, physicochemical variation, residue mobility, and thermodynamic stability) performed at Invitae indicates that this missense variant is not expected to disrupt MYLK protein function. This variant has not been reported in the literature in individuals affected with MYLK-related conditions. This variant is not present in population databases (gnomAD no frequency). This sequence change replaces glutamic acid, which is acidic and polar, with lysine, which is basic and polar, at codon 527 of the MYLK protein (p.Glu527Lys).